The following is an entry in ClinVar:

NM_001006630.2(CHRM2):c.1074G>T (p.Gln358His)

Genes: CHRM2 (cholinergic receptor muscarinic 2; plus strand), LOC349160 (uncharacterized LOC349160; minus strand). Cytogenetic location: 7q33.
Variant type: single nucleotide variant.
Coding change: c.1074G>T on transcript NM_001006630.2 (MANE Select); coding-DNA position 1074, G replaced by T.
Protein change: p.Gln358His; replaces glutamine 358 with histidine.
Molecular consequence: missense variant.
Genome position (GRCh38, 1-based): chr7:137,015,939, G>T. VCF-style: chr7-137015939-G-T. GRCh37 (hg19) VCF-style: chr7-136700686-G-T.
Other names: c.1074G>T (NM_000739.2); c.1074G>T, p.Gln358His (NM_000739.3, NM_001006626.3, NM_001006627.3 and 6 more transcripts); short protein forms Q358H.
Identifiers: ClinVar variation 1058821 (VCV001058821.10), dbSNP rs747925877, ClinGen allele CA369487907.

ClinVar aggregate classification (germline): Uncertain significance. Review status: criteria provided, multiple submitters, no conflicts (2 of 4 stars). 2 submissions from 2 submitters: Uncertain significance (2). Last evaluated 2025-05-06.

gnomAD v4.1: 26 of 1,613,140 alleles (0.0016%); highest among the groups gnomAD compares: Non-Finnish European, 0.0022%; no homozygotes.

Submissions (2):

Ambry Genetics
Classification: Uncertain significance. Last evaluated: 2025-05-06. Review status: criteria provided, single submitter. Criteria: Ambry Variant Classification Scheme 2023. Collection method: clinical testing. Allele origin: germline.

Labcorp Genetics (formerly Invitae), Labcorp
Classification: Uncertain significance. Last evaluated: 2022-12-07. Review status: criteria provided, single submitter. Criteria: Invitae Variant Classification Sherloc (09022015). Collection method: clinical testing. Allele origin: germline.
Comment: In summary, the available evidence is currently insufficient to determine the role of this variant in disease. Therefore, it has been classified as a Variant of Uncertain Significance. Algorithms developed to predict the effect of missense changes on protein structure and function are either unavailable or do not agree on the potential impact of this missense change (SIFT: "Tolerated"; PolyPhen-2: "Probably Damaging"; Align-GVGD: "Class C0"). ClinVar contains an entry for this variant (Variation ID: 1058821). This variant has not been reported in the literature in individuals affected with CHRM2-related conditions. This variant is not present in population databases (gnomAD no frequency). This sequence change replaces glutamine, which is neutral and polar, with histidine, which is basic and polar, at codon 358 of the CHRM2 protein (p.Gln358His).